The following is an entry in ClinVar:

ClinVar aggregate classification (germline): Uncertain significance (1 of 4 stars; one submission).

gnomAD v4.1: 27 of 1,613,972 alleles (0.0017%); highest among the groups gnomAD compares: Admixed American, 0.0067%; no homozygotes.

Submission:

Labcorp Genetics (formerly Invitae), Labcorp
Classification: Uncertain significance. Last evaluated: 2025-09-01. Review status: criteria provided, single submitter. Criteria: Invitae Variant Classification Sherloc (09022015). Collection method: clinical testing. Allele origin: germline.
Comment: This sequence change replaces serine, which is neutral and polar, with phenylalanine, which is neutral and non-polar, at codon 861 of the NUP133 protein (p.Ser861Phe). This variant is present in population databases (no rsID available, gnomAD 0.006%). This variant has not been reported in the literature in individuals affected with NUP133-related conditions. An algorithm developed to predict the effect of missense changes on protein structure and function (PolyPhen-2) suggests that this variant is likely to be disruptive. In summary, the available evidence is currently insufficient to determine the role of this variant in disease. Therefore, it has been classified as a Variant of Uncertain Significance.

NM_018230.3(NUP133):c.2582C>T (p.Ser861Phe)

Gene: NUP133 (nucleoporin 133; minus strand). Cytogenetic location: 1q42.13.
Variant type: single nucleotide variant.
Coding change: c.2582C>T on transcript NM_018230.3 (MANE Select); coding-DNA position 2582, C replaced by T.
Protein change: p.Ser861Phe; replaces serine 861 with phenylalanine.
Molecular consequence: missense variant.
Genome position (GRCh38, 1-based): chr1:229,463,646, G>A on the plus strand (C>T on the coding strand, the complement: NUP133 is on the minus strand). VCF-style: chr1-229463646-G-A. GRCh37 (hg19) VCF-style: chr1-229599393-G-A.
Other names: short protein forms S861F.
Identifiers: ClinVar variation 4743081 (VCV004743081.1).